The following is an entry in ClinVar:

NM_006445.4(PRPF8):c.2540A>G (p.Lys847Arg)

Gene: PRPF8 (pre-mRNA processing factor 8; minus strand). Cytogenetic location: 17p13.3.
Variant type: single nucleotide variant.
Coding change: c.2540A>G on transcript NM_006445.4 (MANE Select); coding-DNA position 2540, A replaced by G.
Protein change: p.Lys847Arg; replaces lysine 847 with arginine.
Molecular consequence: missense variant.
Genome position (GRCh38, 1-based): chr17:1,676,219, T>C on the plus strand (A>G on the coding strand, the complement: PRPF8 is on the minus strand). VCF-style: chr17-1676219-T-C. GRCh37 (hg19) VCF-style: chr17-1579513-T-C.
Other names: short protein forms K847R.
Identifiers: ClinVar variation 3368542 (VCV003368542.1).

ClinVar aggregate classification (germline): Uncertain significance (1 of 4 stars; one submission).

gnomAD v4.1: 1 of 1,613,798 alleles (0.000062%); highest among the groups gnomAD compares: East Asian, 0.0022%; no homozygotes.

Submission:

GeneDx
Classification: Uncertain significance. Last evaluated: 2024-02-07. Review status: criteria provided, single submitter. Criteria: GeneDx Variant Classification Process June 2021. Collection method: clinical testing. Allele origin: germline. Affected: yes.
Comment: Not observed at significant frequency in large population cohorts (gnomAD); In silico analysis supports that this missense variant does not alter protein structure/function; Has not been previously published as pathogenic or benign to our knowledge